The following is an entry in ClinVar:

NM_018297.4(NGLY1):c.643A>G (p.Arg215Gly)

Gene: NGLY1 (N-glycanase 1; minus strand). Cytogenetic location: 3p24.2.
Variant type: single nucleotide variant.
Coding change: c.643A>G on transcript NM_018297.4 (MANE Select); coding-DNA position 643, A replaced by G.
Protein change: p.Arg215Gly; replaces arginine 215 with glycine.
Molecular consequence: missense variant.
Genome position (GRCh38, 1-based): chr3:25,751,113, T>C on the plus strand (A>G on the coding strand, the complement: NGLY1 is on the minus strand). VCF-style: chr3-25751113-T-C. GRCh37 (hg19) VCF-style: chr3-25792604-T-C.
Other names: c.643A>G, p.Arg215Gly (NM_001145293.2, NM_001145295.2); c.517A>G, p.Arg173Gly (NM_001145294.2); short protein forms R215G, R173G.
Identifiers: ClinVar variation 703461 (VCV000703461.13), dbSNP rs551759932, ClinGen allele CA2289427.

ClinVar aggregate classification (germline): Likely benign. Review status: criteria provided, multiple submitters, no conflicts (2 of 4 stars). 2 submissions from 2 submitters: Likely benign (2). Last evaluated 2026-01-28.

Conditions:
Congenital disorder of deglycosylation (CDDG). Identifiers: MedGen C3808991, MONDO:0031376.

Allele frequency attached by ClinVar (database versions not stated): gnomAD below 0.00001 and 0.00015; TOPMed 0.00003; gnomAD exomes 0.00031 and 0.00054; ExAC 0.00054; 1000 Genomes Project 30x 0.00094; 1000 Genomes Project 0.00120.
gnomAD v4.1: 467 of 1,612,238 alleles (0.029%); highest among the groups gnomAD compares: South Asian, 0.49%; 4 homozygotes.

Submissions (2):

Labcorp Genetics (formerly Invitae), Labcorp
Classification: Likely benign for Congenital disorder of deglycosylation. Last evaluated: 2026-01-28. Review status: criteria provided, single submitter. Criteria: Invitae Variant Classification Sherloc (09022015). Collection method: clinical testing. Allele origin: germline.

Women's Health and Genetics/Laboratory Corporation of America, LabCorp
Classification: Likely benign. Last evaluated: 2022-03-08. Review status: criteria provided, single submitter. Criteria: LabCorp Variant Classification Summary - May 2015. Collection method: clinical testing. Allele origin: germline.
Comment: Variant summary: NGLY1 c.643A>G (p.Arg215Gly) results in a non-conservative amino acid change in the encoded protein sequence. Three of five in-silico tools predict a benign effect of the variant on protein function. The variant allele was found at a frequency of 0.00054 in 249082 control chromosomes, predominantly at a frequency of 0.0044 within the South Asian subpopulation in the gnomAD database. The observed variant frequency within South Asian control individuals in the gnomAD database is approximately 3.9 fold of the estimated maximal expected allele frequency for a pathogenic variant in NGLY1 causing Congenital Disorder Of Deglycosylation phenotype (0.0011), strongly suggesting that the variant is a benign polymorphism found primarily in populations of South Asian origin. One clinical diagnostic laboratory has submitted clinical-significance assessments for this variant to ClinVar after 2014 without evidence for independent evaluation and classified the variant as likely benign. Based on the evidence outlined above, the variant was classified as likely benign.